The following is an entry in ClinVar:

ClinVar aggregate classification (germline): Uncertain significance (1 of 4 stars; one submission).

Conditions:
Muscle AMP deaminase deficiency (MMDD). Also called: Myoadenylate deaminase deficiency, myopathy due to; Adenosine monophosphate deaminase 1 deficiency; AMP deaminase 1 deficiency; Adenosine Monophosphate Deaminase 1; AMPD1 DEFICIENCY; ADENOSINE MONOPHOSPHATE DEAMINASE-1 DEFICIENCY, MYOPATHY DUE TO. Identifiers: Orphanet 45, MedGen C3714933, MONDO:0014220, OMIM 615511.

Allele frequency attached by ClinVar (database versions not stated): TOPMed 0.00002; gnomAD 0.00004; ESP Exome Variant Server 0.00008; gnomAD exomes 0.00011; ExAC 0.00015.

Submission:

Labcorp Genetics (formerly Invitae), Labcorp
Classification: Uncertain significance for Muscle AMP deaminase deficiency. Last evaluated: 2022-02-19. Review status: criteria provided, single submitter. Criteria: Invitae Variant Classification Sherloc (09022015). Collection method: clinical testing. Allele origin: germline.
Comment: This variant has not been reported in the literature in individuals affected with AMPD1-related conditions. In summary, the available evidence is currently insufficient to determine the role of this variant in disease. Therefore, it has been classified as a Variant of Uncertain Significance. Algorithms developed to predict the effect of missense changes on protein structure and function (SIFT, PolyPhen-2, Align-GVGD) all suggest that this variant is likely to be disruptive. This variant is present in population databases (rs146437677, gnomAD 0.05%). This sequence change replaces arginine, which is basic and polar, with histidine, which is basic and polar, at codon 404 of the AMPD1 protein (p.Arg404His).

NM_000036.3(AMPD1):c.1112G>A (p.Arg371His)

Gene: AMPD1 (adenosine monophosphate deaminase 1; minus strand). Cytogenetic location: 1p13.2.
Variant type: single nucleotide variant.
Coding change: c.1112G>A on transcript NM_000036.3 (MANE Select); coding-DNA position 1112, G replaced by A.
Protein change: p.Arg371His; replaces arginine 371 with histidine.
Molecular consequence: missense variant.
Genome position (GRCh38, 1-based): chr1:114,678,022, C>T on the plus strand (G>A on the coding strand, the complement: AMPD1 is on the minus strand). VCF-style: chr1-114678022-C-T. GRCh37 (hg19) VCF-style: chr1-115220643-C-T.
Other names: c.1100G>A, p.Arg367His (NM_001172626.2); short protein forms R371H, R367H.
Identifiers: ClinVar variation 1352278 (VCV001352278.6), dbSNP rs146437677, ClinGen allele CA1020209.